The following is an entry in ClinVar:

ClinVar aggregate classification (germline): Uncertain significance (1 of 4 stars; one submission).

Submission:

Labcorp Genetics (formerly Invitae), Labcorp
Classification: Uncertain significance. Last evaluated: 2025-07-07. Review status: criteria provided, single submitter. Criteria: Invitae Variant Classification Sherloc (09022015). Collection method: clinical testing. Allele origin: germline.
Comment: This sequence change replaces histidine, which is basic and polar, with asparagine, which is neutral and polar, at codon 934 of the TAOK2 protein (p.His934Asn). This variant is not present in population databases (gnomAD no frequency). This variant has not been reported in the literature in individuals affected with TAOK2-related conditions. ClinVar contains an entry for this variant (Variation ID: 3689927). An algorithm developed to predict the effect of missense changes on protein structure and function (PolyPhen-2) suggests that this variant is likely to be tolerated. In summary, the available evidence is currently insufficient to determine the role of this variant in disease. Therefore, it has been classified as a Variant of Uncertain Significance.

NM_016151.4(TAOK2):c.2800C>A (p.His934Asn)

Gene: TAOK2 (TAO kinase 2; plus strand). Cytogenetic location: 16p11.2.
Variant type: single nucleotide variant.
Coding change: c.2800C>A on transcript NM_016151.4 (MANE Select); coding-DNA position 2800, C replaced by A.
Protein change: p.His934Asn; replaces histidine 934 with asparagine.
Molecular consequence: missense variant. On other transcripts: intron variant (1).
Genome position (GRCh38, 1-based): chr16:29,987,072, C>A. VCF-style: chr16-29987072-C-A. GRCh37 (hg19) VCF-style: chr16-29998393-C-A.
Other names: c.2232+568C>A (NM_004783.4); c.2461C>A, p.His821Asn (NM_001252043.2); short protein forms H821N, H934N.
Identifiers: ClinVar variation 3689927 (VCV003689927.2).